The following is an entry in ClinVar:

NM_004360.5(CDH1):c.1127A>T (p.Asn376Ile)

Gene: CDH1 (cadherin 1; plus strand). Cytogenetic location: 16q22.1.
Variant type: single nucleotide variant.
Coding change: c.1127A>T on transcript NM_004360.5 (MANE Select); coding-DNA position 1127, A replaced by T.
Protein change: p.Asn376Ile; replaces asparagine 376 with isoleucine.
Molecular consequence: missense variant. On other transcripts: 5 prime UTR variant (2).
Genome position (GRCh38, 1-based): chr16:68,812,253, A>T. VCF-style: chr16-68812253-A-T. GRCh37 (hg19) VCF-style: chr16-68846156-A-T.
Other names: c.1127A>T, p.Asn376Ile (NM_001317184.2); c.-489A>T (NM_001317185.2); c.-693A>T (NM_001317186.2); short protein forms N376I.
Identifiers: ClinVar variation 1799348 (VCV001799348.4), dbSNP rs1169866178, ClinGen allele CA396460280.

ClinVar aggregate classification (germline): Uncertain significance. Review status: criteria provided, multiple submitters, no conflicts (2 of 4 stars). 2 submissions from 2 submitters: Uncertain significance (2). Last evaluated 2025-11-18.

Conditions:
Hereditary cancer-predisposing syndrome. Also called: Hereditary neoplastic syndrome; Neoplastic Syndromes, Hereditary; Tumor predisposition; Hereditary Cancer Syndrome. Identifiers: Orphanet 140162, MedGen C0027672, MeSH D009386, MONDO:0015356.

gnomAD v4.1: 1 of 1,614,166 alleles (0.000062%); highest among the groups gnomAD compares: East Asian, 0.0022%; no homozygotes.

Submissions (2):

Ambry Genetics
Classification: Uncertain significance for Hereditary cancer-predisposing syndrome. Last evaluated: 2025-11-18. Review status: criteria provided, single submitter. Criteria: Ambry Variant Classification Scheme 2023. Collection method: clinical testing. Allele origin: germline.
Comment: The p.N376I variant (also known as c.1127A>T), located in coding exon 8 of the CDH1 gene, results from an A to T substitution at nucleotide position 1127. The asparagine at codon 376 is replaced by isoleucine, an amino acid with dissimilar properties. This amino acid position is not well conserved in available vertebrate species. In addition, this alteration is predicted to be tolerated by in silico analysis. Since supporting evidence is limited at this time, the clinical significance of this alteration remains unclear.

Blueprint Genetics
Classification: Uncertain significance. Last evaluated: 2023-07-28. Review status: criteria provided, single submitter. Criteria: ACMG Guidelines, 2015. Collection method: clinical testing. Allele origin: germline.